The following is an entry in ClinVar:

NM_000218.3(KCNQ1):c.1514+6015A>G

Genes: KCNQ1 (potassium voltage-gated channel subfamily Q member 1; plus strand), KCNQ1OT1 (KCNQ1 opposite strand/antisense transcript 1; minus strand). Cytogenetic location: 11p15.5.
Variant type: single nucleotide variant.
Coding change: c.1514+6015A>G on transcript NM_000218.3 (MANE Select); 6015 bases into the intron after coding-DNA position 1514, A replaced by G.
Molecular consequence: intron variant.
Genome position (GRCh38, 1-based): chr11:2,668,096, A>G. VCF-style: chr11-2668096-A-G. GRCh37 (hg19) VCF-style: chr11-2689326-A-G.
Other names: c.1244+6015A>G (NM_001406837.1); c.1418+6015A>G (NM_001406836.1); c.974+6015A>G (NM_001406838.1); c.1133+6015A>G (NM_181798.2).
Identifiers: ClinVar variation 1694617 (VCV001694617.31), dbSNP rs1850116256, ClinGen allele CA472747117.

ClinVar aggregate classification (germline): Uncertain significance (1 of 4 stars; one submission).

Allele frequency attached by ClinVar (database versions not stated): gnomAD exomes 0.00001.
gnomAD v4.1: 4 of 398,534 alleles (0.001%); highest among the groups gnomAD compares: South Asian, 0.026%; no homozygotes.

Submission:

CeGaT Center for Human Genetics Tuebingen
Classification: Uncertain significance. Last evaluated: 2022-04-01. Review status: criteria provided, single submitter. Criteria: CeGaT Center For Human Genetics Tuebingen Variant Classification Criteria Version 2. Collection method: clinical testing. Allele origin: germline. Affected: yes. Observed: 1 variant allele.
Comment: KCNQ1OT1: PM2